The following is an entry in ClinVar:

ClinVar aggregate classification (germline): Conflicting classifications of pathogenicity. Review status: criteria provided, conflicting classifications (1 of 4 stars). 4 submissions from 4 submitters: Uncertain significance (2); Benign (2). Last evaluated 2025-12-19.

Conditions:
Inborn genetic diseases. Identifiers: MedGen C0950123, MeSH D030342.

Allele frequency attached by ClinVar (database versions not stated): gnomAD exomes 0.00025 and 0.00045; TOPMed 0.00028; gnomAD 0.00030 and 0.00031; ExAC 0.00034; ESP Exome Variant Server 0.00038.
gnomAD v4.1: 428 of 1,613,828 alleles (0.027%); highest among the groups gnomAD compares: Middle Eastern, 0.033%; 2 homozygotes.

Submissions (4):

Labcorp Genetics (formerly Invitae), Labcorp
Classification: Benign. Last evaluated: 2025-12-19. Review status: criteria provided, single submitter. Criteria: Invitae Variant Classification Sherloc (09022015). Collection method: clinical testing. Allele origin: germline.

GeneDx
Classification: Uncertain significance. Last evaluated: 2025-03-13. Review status: criteria provided, single submitter. Criteria: GeneDx Variant Classification Process June 2021. Collection method: clinical testing. Allele origin: germline. Affected: yes.
Comment: In silico analysis indicates that this missense variant does not alter protein structure/function; Has not been previously published as pathogenic or benign to our knowledge

Ambry Genetics
Classification: Uncertain significance for Inborn genetic diseases. Last evaluated: 2024-09-26. Review status: criteria provided, single submitter. Criteria: Ambry Variant Classification Scheme 2023. Collection method: clinical testing. Allele origin: germline.

Breakthrough Genomics
Classification: Benign. Review status: criteria provided, single submitter. Criteria: ACMG Guidelines, 2015. Collection method: not provided. Allele origin: germline. Inheritance: Autosomal recessive inheritance. Affected: yes.

NM_032888.4(COL27A1):c.893C>T (p.Thr298Ile)

Gene: COL27A1 (collagen type XXVII alpha 1 chain; plus strand). Cytogenetic location: 9q32.
Variant type: single nucleotide variant.
Coding change: c.893C>T on transcript NM_032888.4 (MANE Select); coding-DNA position 893, C replaced by T.
Protein change: p.Thr298Ile; replaces threonine 298 with isoleucine.
Molecular consequence: missense variant.
Genome position (GRCh38, 1-based): chr9:114,168,448, C>T. VCF-style: chr9-114168448-C-T. GRCh37 (hg19) VCF-style: chr9-116930728-C-T.
Other names: c.893C>T (NM_032888.2); short protein forms T298I.
Identifiers: ClinVar variation 746231 (VCV000746231.14), dbSNP rs148990468, ClinGen allele CA5201258.